The following is an entry in ClinVar:

NM_012262.4(HS2ST1):c.1026C>T (p.Leu342=)

Gene: HS2ST1 (heparan sulfate 2-O-sulfotransferase 1; plus strand). Cytogenetic location: 1p22.3.
Variant type: single nucleotide variant.
Coding change: c.1026C>T on transcript NM_012262.4 (MANE Select); coding-DNA position 1026, C replaced by T.
Protein change: p.Leu342=; no amino-acid change (leucine 342 retained).
Molecular consequence: synonymous variant.
Genome position (GRCh38, 1-based): chr1:87,104,651, C>T. VCF-style: chr1-87104651-C-T. GRCh37 (hg19) VCF-style: chr1-87570334-C-T.
Identifiers: ClinVar variation 2638914 (VCV002638914.24), dbSNP rs149025715, ClinGen allele CA418872332.

ClinVar aggregate classification (germline): Likely benign (1 of 4 stars; one submission).

Allele frequency attached by ClinVar (database versions not stated): gnomAD exomes below 0.00001; gnomAD 0.00001.
gnomAD v4.1: 8 of 1,613,188 alleles (0.0005%); highest among the groups gnomAD compares: Middle Eastern, 0.066%; no homozygotes.

Submission:

CeGaT Center for Human Genetics Tuebingen
Classification: Likely benign. Last evaluated: 2022-12-01. Review status: criteria provided, single submitter. Criteria: CeGaT Center For Human Genetics Tuebingen Variant Classification Criteria Version 2. Collection method: clinical testing. Allele origin: germline. Affected: yes. Observed: 1 variant allele.
Comment: HS2ST1: BP4, BP7